The following is an entry in ClinVar:

NM_004369.4(COL6A3):c.3429G>C (p.Arg1143Ser)

Gene: COL6A3 (collagen type VI alpha 3 chain; minus strand). Cytogenetic location: 2q37.3.
Variant type: single nucleotide variant.
Coding change: c.3429G>C on transcript NM_004369.4 (MANE Select); coding-DNA position 3429, G replaced by C.
Protein change: p.Arg1143Ser; replaces arginine 1143 with serine.
Molecular consequence: missense variant.
Genome position (GRCh38, 1-based): chr2:237,374,662, C>G on the plus strand (G>C on the coding strand, the complement: COL6A3 is on the minus strand). VCF-style: chr2-237374662-C-G. GRCh37 (hg19) VCF-style: chr2-238283305-C-G.
Other names: c.2208G>C, p.Arg736Ser (NM_057164.5); c.2811G>C, p.Arg937Ser (NM_057165.5, NM_057167.4); c.1608G>C, p.Arg536Ser (NM_057166.5); short protein forms R1143S, R536S, R736S, R937S.
Identifiers: ClinVar variation 2121504 (VCV002121504.4), dbSNP rs146171151, ClinGen allele CA351202946.

ClinVar aggregate classification (germline): Uncertain significance (1 of 4 stars; one submission).

Conditions:
Bethlem myopathy 1A. Also called: MYOPATHY, BENIGN CONGENITAL, WITH CONTRACTURES; Bethlem myopathy 1; Bethlem Muscular Dystrophy. Identifiers: Orphanet 610, MedGen CN029274, MONDO:0024530, OMIM 158810.

Submission:

Labcorp Genetics (formerly Invitae), Labcorp
Classification: Uncertain significance for Bethlem myopathy 1A. Last evaluated: 2022-09-07. Review status: criteria provided, single submitter. Criteria: Invitae Variant Classification Sherloc (09022015). Collection method: clinical testing. Allele origin: germline.
Comment: In summary, the available evidence is currently insufficient to determine the role of this variant in disease. Therefore, it has been classified as a Variant of Uncertain Significance. Advanced modeling of protein sequence and biophysical properties (such as structural, functional, and spatial information, amino acid conservation, physicochemical variation, residue mobility, and thermodynamic stability) performed at Invitae indicates that this missense variant is not expected to disrupt COL6A3 protein function. This variant has not been reported in the literature in individuals affected with COL6A3-related conditions. This variant is not present in population databases (gnomAD no frequency). This sequence change replaces arginine, which is basic and polar, with serine, which is neutral and polar, at codon 1143 of the COL6A3 protein (p.Arg1143Ser).